The following is an entry in ClinVar:

ClinVar aggregate classification (germline): Likely pathogenic (1 of 4 stars; one submission).

Submission:

GeneDx
Classification: Likely pathogenic. Last evaluated: 2018-03-29. Review status: criteria provided, single submitter. Criteria: GeneDx Variant Classification (06012015). Collection method: clinical testing. Allele origin: germline. Affected: yes.
Comment: This deletion of one nucleotide in ATM is denoted c.6384delG at the cDNA level and p.Leu2128PhefsX8 (L2128FfsX8) at the protein level. The normal sequence, with the base that is deleted in brackets, is CATT[delG]TACA. The deletion causes a frameshift which changes a Leucine to a Phenylalanine at codon 2128, and creates a premature stop codon at position 8 of the new reading frame. Although this variant has not, to our knowledge, been reported in the literature, it is predicted to cause loss of normal protein function through either protein truncation or nonsense-mediated mRNA decay. Based on currently available evidence, we consider this deletion to be a likely pathogenic variant.

NM_000051.4(ATM):c.6384del (p.Leu2128fs)

Genes: ATM (ATM serine/threonine kinase; plus strand), C11orf65 (chromosome 11 open reading frame 65; minus strand). Cytogenetic location: 11q22.3.
Variant type: Deletion.
Coding change: c.6384del on transcript NM_000051.4 (MANE Select); coding-DNA position 6384, one base deleted (G; older notation c.6384delG).
Protein change: p.Leu2128fs; shifts the reading frame from leucine 2128.
Molecular consequence: frameshift variant. On other transcripts: intron variant (2).
Genome position (GRCh38, 1-based): chr11:108,319,990, G deleted. VCF-style (leftmost placement, unchanged base first): chr11-108319989-TG-T. GRCh37 (hg19) VCF-style: chr11-108190716-TG-T.
Other names: c.6384del, p.Leu2128fs (NM_001351834.2); c.641-10919del (NM_001330368.2); c.*39-10919del (NM_001351110.2); short protein forms L2128fs.
Identifiers: ClinVar variation 545893 (VCV000545893.4), dbSNP rs1555116427, ClinGen allele CA658822143.